The following is an entry in ClinVar:

ClinVar aggregate classification (germline): Uncertain significance (1 of 4 stars; one submission).

Conditions:
Thrombophilia, X-linked, due to factor 9 defect. Identifiers: MedGen C2749016, MONDO:0010432, OMIM 300807.
Hereditary factor IX deficiency disease (HEMB). Also called: Christmas Disease; F9 DEFICIENCY; FACTOR IX DEFICIENCY; PLASMA THROMBOPLASTIN COMPONENT DEFICIENCY; Hemophilia B. Identifiers: Orphanet 98879, MedGen C0008533, MeSH D002836, MONDO:0010604, OMIM 306900.

gnomAD v4.1: 8 of 1,202,056 alleles (0.00067%); highest among the groups gnomAD compares: Admixed American, 0.015%; no homozygotes.

Submission:

Labcorp Genetics (formerly Invitae), Labcorp
Classification: Uncertain significance for Thrombophilia, X-linked, due to factor 9 defect; Hereditary factor IX deficiency disease. Last evaluated: 2025-05-14. Review status: criteria provided, single submitter. Criteria: Invitae Variant Classification Sherloc (09022015). Collection method: clinical testing. Allele origin: germline.
Comment: This sequence change replaces glycine, which is neutral and non-polar, with aspartic acid, which is acidic and polar, at codon 272 of the F9 protein (p.Gly272Asp). This variant is present in population databases (rs745468265, gnomAD 0.02%). This variant has not been reported in the literature in individuals affected with F9-related conditions. Invitae Evidence Modeling of protein sequence and biophysical properties (such as structural, functional, and spatial information, amino acid conservation, physicochemical variation, residue mobility, and thermodynamic stability) indicates that this missense variant is not expected to disrupt F9 protein function with a negative predictive value of 80%. In summary, the available evidence is currently insufficient to determine the role of this variant in disease. Therefore, it has been classified as a Variant of Uncertain Significance.

NM_000133.4(F9):c.815G>A (p.Gly272Asp)

Gene: F9 (coagulation factor IX; plus strand). Cytogenetic location: Xq27.1.
Variant type: single nucleotide variant.
Coding change: c.815G>A on transcript NM_000133.4 (MANE Select); coding-DNA position 815, G replaced by A.
Protein change: p.Gly272Asp; replaces glycine 272 with aspartic acid.
Molecular consequence: missense variant.
Genome position (GRCh38, 1-based): chrX:139,560,832, G>A. VCF-style: chrX-139560832-G-A. GRCh37 (hg19) VCF-style: chrX-138642991-G-A.
Other names: c.701G>A, p.Gly234Asp (NM_001313913.2); short protein forms G234D, G272D.
Identifiers: ClinVar variation 4788645 (VCV004788645.1).